The following is an entry in ClinVar:

ClinVar aggregate classification (germline): Likely pathogenic (1 of 4 stars; one submission).

Conditions:
Wilms tumor 1 (WT1). Also called: Wilms tumor, somatic. Identifiers: Orphanet 654, MedGen CN033288, MONDO:0008679, OMIM 194070.
Medulloblastoma (MDB). Also called: MEDULLOBLASTOMA PREDISPOSITION SYNDROME; Medulloblastoma, somatic. Identifiers: Orphanet 616, MedGen C0025149, MeSH D008527, MONDO:0007959, OMIM 155255, HP:0002885.
Pancreatic cancer, susceptibility to, 2. Identifiers: Orphanet 1333, MedGen C3150546, MONDO:0013235, OMIM 613347.
Breast-ovarian cancer, familial, susceptibility to, 2 (BROVCA2). Also called: BRCA2 Hereditary Breast and Ovarian Cancer. Identifiers: Orphanet 145, MedGen C2675520, MONDO:0012933, OMIM 612555. Disease mechanism: loss of function.
Glioma susceptibility 3 (GLM3). Also called: Glioblastoma 3. Identifiers: Orphanet 182067, Orphanet 360, MedGen C2751641, MONDO:0013093, OMIM 613029.
Fanconi anemia complementation group D1. Also called: BRCA2-Related Fanconi Anemia. Identifiers: Orphanet 319462, MedGen C1838457, MONDO:0011584, OMIM 605724.
Familial prostate cancer. Also called: Hereditary Prostate Cancer. Identifiers: MedGen C2931456, MONDO:0700275, OMIM 176807.
Familial cancer of breast. Also called: BREAST CANCER, FAMILIAL; Hereditary breast cancer; hereditary breast carcinoma. Identifiers: Orphanet 227535, MedGen C0346153, MONDO:0016419, OMIM 114480. Disease mechanism: loss of function.

Submission:

Juno Genomics, Hangzhou Juno Genomics, Inc
Classification: Likely pathogenic for Familial cancer of breast; Breast-ovarian cancer, familial, susceptibility to, 2; Glioma susceptibility 3; Medulloblastoma; Pancreatic cancer, susceptibility to, 2; Familial prostate cancer; Fanconi anemia complementation group D1; Wilms tumor 1. Review status: criteria provided, single submitter. Criteria: ACMG Guidelines, 2015. Collection method: clinical testing. Allele origin: germline.
Comment: Null variant in a gene where loss of function (LOF) is a known mechanism of disease.;Absent from controls (or at extremely low frequency if recessive) in Genome Aggregation Database.

NM_000059.4(BRCA2):c.3222dup (p.Ser1075Ter)

Gene: BRCA2 (BRCA2 DNA repair associated; plus strand). Cytogenetic location: 13q13.1.
Variant type: Duplication.
Coding change: c.3222dup on transcript NM_000059.4 (MANE Select); coding-DNA position 3222, one base duplicated (T; older notation c.3222dupT).
Protein change: p.Ser1075Ter; replaces serine 1075 with a stop codon.
Molecular consequence: nonsense. On other transcripts: non-coding transcript variant (1), intron variant (2).
Genome position (GRCh38, 1-based): chr13:32,337,577, T duplicated. VCF-style (leftmost placement, unchanged base first): chr13-32337576-G-GT. GRCh37 (hg19) VCF-style: chr13-32911713-G-GT.
Other names: c.3222dup, p.Ser1075Ter (NM_001406719.1, NM_001406720.1, NM_001432077.1); c.1909+4190dup (NM_001406721.1); c.424+6547dup (NM_001406722.1); short protein forms S1075*.
Identifiers: ClinVar variation 3381918 (VCV003381918.3).
Genomic context (GRCh38, chr13:32,337,576, plus strand): 5'-ATAATCAAAAGAAACTGAGCAAGCCTCAGTCAATTAATACTGTATCTGCACATTTACAGA[G>GT]TAGTGTAGTTGTTTCTGATTGTAAAAATAGTCATATAACCCCTCAGATGTTATTTTCCAA-3'